The following is an entry in ClinVar:

NM_018263.6(ASXL2):c.463A>G (p.Ile155Val)

Gene: ASXL2 (ASXL transcriptional regulator 2; minus strand). Cytogenetic location: 2p23.3.
Variant type: single nucleotide variant.
Coding change: c.463A>G on transcript NM_018263.6 (MANE Select); coding-DNA position 463, A replaced by G.
Protein change: p.Ile155Val; replaces isoleucine 155 with valine.
Molecular consequence: missense variant. On other transcripts: 5 prime UTR variant (1).
Genome position (GRCh38, 1-based): chr2:25,771,481, T>C on the plus strand (A>G on the coding strand, the complement: ASXL2 is on the minus strand). VCF-style: chr2-25771481-T-C. GRCh37 (hg19) VCF-style: chr2-25994350-T-C.
Other names: c.289A>G, p.Ile97Val (NM_001369346.1); c.-318A>G (NM_001369347.1); short protein forms I155V, I97V.
Identifiers: ClinVar variation 1435999 (VCV001435999.6), dbSNP rs748296665, ClinGen allele CA1558041.

ClinVar aggregate classification (germline): Uncertain significance (1 of 4 stars; one submission).

Allele frequency attached by ClinVar (database versions not stated): gnomAD 0.00001; TOPMed 0.00002; gnomAD exomes 0.00005; ExAC 0.00008.
gnomAD v4.1: 15 of 1,613,528 alleles (0.00093%); highest among the groups gnomAD compares: Admixed American, 0.02%; no homozygotes.

Submission:

Labcorp Genetics (formerly Invitae), Labcorp
Classification: Uncertain significance. Last evaluated: 2023-12-11. Review status: criteria provided, single submitter. Criteria: Invitae Variant Classification Sherloc (09022015). Collection method: clinical testing. Allele origin: germline.
Comment: This sequence change replaces isoleucine, which is neutral and non-polar, with valine, which is neutral and non-polar, at codon 155 of the ASXL2 protein (p.Ile155Val). This variant is present in population databases (rs748296665, gnomAD 0.04%), and has an allele count higher than expected for a pathogenic variant. This variant has not been reported in the literature in individuals affected with ASXL2-related conditions. ClinVar contains an entry for this variant (Variation ID: 1435999). Advanced modeling of protein sequence and biophysical properties (such as structural, functional, and spatial information, amino acid conservation, physicochemical variation, residue mobility, and thermodynamic stability) performed at Invitae indicates that this missense variant is not expected to disrupt ASXL2 protein function with a negative predictive value of 80%. In summary, the available evidence is currently insufficient to determine the role of this variant in disease. Therefore, it has been classified as a Variant of Uncertain Significance.